The following is an entry in ClinVar:

NM_015662.3(IFT172):c.3583G>A (p.Asp1195Asn)

Genes: IFT172 (intraflagellar transport 172; minus strand), LOC126806173 (BRD4-independent group 4 enhancer GRCh37_chr2:27676057-27677256; plus strand). Cytogenetic location: 2p23.3.
Variant type: single nucleotide variant.
Coding change: c.3583G>A on transcript NM_015662.3 (MANE Select); coding-DNA position 3583, G replaced by A.
Protein change: p.Asp1195Asn; replaces aspartic acid 1195 with asparagine.
Molecular consequence: missense variant.
Genome position (GRCh38, 1-based): chr2:27,454,110, C>T on the plus strand (G>A on the coding strand, the complement: IFT172 is on the minus strand). VCF-style: chr2-27454110-C-T. GRCh37 (hg19) VCF-style: chr2-27676977-C-T.
Other names: c.3583G>A (NM_015662.2, NM_015662.1); short protein forms D1195N.
Identifiers: ClinVar variation 1362930 (VCV001362930.7), dbSNP rs762074176, ClinGen allele CA1579930.
Genomic context (GRCh38, chr2:27,454,110, plus strand): 5'-CCTTCTCCTCCAAGGCCCCCCGGGCCTGTCCCACAAGCACCTCGGCGACACTGTCAGGGT[C>T]GTGAGCCTCAGCCACACGCTGAGCTGCCTCCCAATCCTGGTTATGGACAAACCTGCCTCC-3'
Protein context (NP_056477.1, residues 1185-1205): EAAQRVAEAH[Asp1195Asn]PDSVAEVLVG

ClinVar aggregate classification (germline): Uncertain significance. Review status: criteria provided, multiple submitters, no conflicts (2 of 4 stars). 3 submissions from 3 submitters: Uncertain significance (3). Last evaluated 2026-09-01.

Conditions:
Short-rib thoracic dysplasia 10 with or without polydactyly (SRTD10). Identifiers: Orphanet 474, MedGen C3810175, MONDO:0014284, OMIM 615630.
Retinitis pigmentosa 71 (RP71). Identifiers: Orphanet 791, MedGen C4225342, MONDO:0014618, OMIM 616394.
Inborn genetic diseases. Identifiers: MedGen C0950123, MeSH D030342.
IFT172-related disorder. Also called: IFT172-related condition; IFT172-related disorders.

Allele frequency attached by ClinVar (database versions not stated): gnomAD 0.00001; ExAC 0.00001; TOPMed 0.00001; gnomAD exomes 0.00002.

Submissions (3):

Ambry Genetics
Classification: Uncertain significance for Inborn genetic diseases. Last evaluated: 2026-09-01. Review status: criteria provided, single submitter. Criteria: Ambry Variant Classification Scheme 2023. Collection method: clinical testing. Allele origin: germline.
Comment: The c.3583G>A (p.D1195N) alteration is located in exon 33 (coding exon 33) of the IFT172 gene. This alteration results from a G to A substitution at nucleotide position 3583, causing the aspartic acid (D) at amino acid position 1195 to be replaced by an asparagine (N). Based on data from gnomAD, the A allele has an overall frequency of 0.002% (5/249842) total alleles studied. The highest observed frequency was 0.009% (3/34516) of Latino alleles. Based on insufficient or conflicting evidence, the clinical significance of this alteration remains unclear.

PreventionGenetics, part of Exact Sciences
Classification: Uncertain significance for IFT172-related condition. Last evaluated: 2025-08-26. Review status: criteria provided, single submitter. Criteria: ACMG Guidelines, 2015. Collection method: clinical testing. Allele origin: germline.
Comment: The IFT172 c.3583G>A variant is predicted to result in the amino acid substitution p.Asp1195Asn. To our knowledge, this variant has not been reported in the literature. This variant is reported in 0.0087% of alleles in individuals of Latino descent in gnomAD. At this time, the clinical significance of this variant is uncertain due to the absence of conclusive functional and genetic evidence.

Labcorp Genetics (formerly Invitae), Labcorp
Classification: Uncertain significance for Retinitis pigmentosa 71; Short-rib thoracic dysplasia 10 with or without polydactyly. Last evaluated: 2022-06-13. Review status: criteria provided, single submitter. Criteria: Invitae Variant Classification Sherloc (09022015). Collection method: clinical testing. Allele origin: germline.
Comment: This sequence change replaces aspartic acid, which is acidic and polar, with asparagine, which is neutral and polar, at codon 1195 of the IFT172 protein (p.Asp1195Asn). This variant is present in population databases (rs762074176, gnomAD 0.009%). This variant has not been reported in the literature in individuals affected with IFT172-related conditions. Algorithms developed to predict the effect of missense changes on protein structure and function (SIFT, PolyPhen-2, Align-GVGD) all suggest that this variant is likely to be tolerated. In summary, the available evidence is currently insufficient to determine the role of this variant in disease. Therefore, it has been classified as a Variant of Uncertain Significance.